The following is an entry in ClinVar:

NM_000218.3(KCNQ1):c.706del (p.Ile235_Leu236insTer)

Gene: KCNQ1 (potassium voltage-gated channel subfamily Q member 1; plus strand). Cytogenetic location: 11p15.5.
Variant type: Deletion.
Coding change: c.706del on transcript NM_000218.3 (MANE Select); coding-DNA position 706, one base deleted (C; older notation c.706delC).
Protein change: p.Ile235_Leu236insTer.
Molecular consequence: nonsense. On other transcripts: frameshift variant (4).
Genome position (GRCh38, 1-based): chr11:2,572,035, C deleted; the last of 2 consecutive C bases (chr11:2,572,034-2,572,035); deleting either gives the same sequence. VCF-style (leftmost placement, unchanged base first): chr11-2572033-TC-T. GRCh37 (hg19) VCF-style: chr11-2593263-TC-T.
Other names: c.706delC, p.Leu236Terfs (NM_000218.2, NM_001406836.1); c.436delC, p.Leu146Terfs (NM_001406837.1); c.325delC, p.Leu109Terfs (NM_181798.2).
Identifiers: ClinVar variation 656121 (VCV000656121.13), dbSNP rs1589957719, ClinGen allele CA915947936.

ClinVar aggregate classification (germline): Pathogenic. Review status: criteria provided, multiple submitters, no conflicts (2 of 4 stars). 4 submissions from 4 submitters: Pathogenic (4). Last evaluated 2025-09-08.

Conditions:
Cardiovascular phenotype. Identifiers: MedGen CN230736.
Cardiac arrhythmia. Also called: Arrhythmia; Cardiac rhythm disease. Identifiers: MedGen C0003811, MONDO:0007263, HP:0011675.
Long QT syndrome (LQTS). Identifiers: MedGen C0023976, MeSH D008133, MONDO:0002442. Disease mechanism: loss of function. Inheritance: Various modes of inheritance.

Submissions (4):

Color Diagnostics, LLC DBA Color Health
Classification: Pathogenic for Cardiac arrhythmia. Last evaluated: 2025-09-08. Review status: criteria provided, single submitter. Criteria: ACMG Guidelines, 2015. Collection method: clinical testing. Allele origin: germline.
Comment: This variant deletes 1 nucleotide in exon 5 of the KCNQ1 gene, creating a frameshift and premature translation stop signal. This variant is expected to result in an absent or non-functional protein product. To our knowledge, this variant has not been reported in individuals affected with KCNQ1-related disorders in the literature. This variant has not been identified in the general population by the Genome Aggregation Database (gnomAD). Loss of KCNQ1 function is a known mechanism of disease. Based on the available evidence, this variant is classified as Pathogenic.

GeneDx
Classification: Pathogenic. Last evaluated: 2025-07-01. Review status: criteria provided, single submitter. Criteria: GeneDx Variant Classification Process June 2021. Collection method: clinical testing. Allele origin: germline. Affected: yes.
Comment: Nonsense variant predicted to result in protein truncation or nonsense mediated decay in a gene for which loss-of-function is a known mechanism of disease; Not observed at significant frequency in large population cohorts (gnomAD); Has not been previously published as pathogenic or benign to our knowledge

Ambry Genetics
Classification: Pathogenic for Cardiovascular phenotype. Last evaluated: 2025-05-22. Review status: criteria provided, single submitter. Criteria: Ambry Variant Classification Scheme 2023. Collection method: clinical testing. Allele origin: germline.
Comment: The c.706delC pathogenic mutation, located in coding exon 5 of the KCNQ1 gene, results from a deletion of one nucleotide at nucleotide position 706, causing a translational frameshift with a predicted alternate stop codon (p.L236*). This variant is considered to be rare based on population cohorts in the Genome Aggregation Database (gnomAD). This alteration is expected to result in loss of function by premature protein truncation or nonsense-mediated mRNA decay. As such, this alteration is interpreted as a disease-causing mutation.

Labcorp Genetics (formerly Invitae), Labcorp
Classification: Pathogenic for Long QT syndrome. Last evaluated: 2025-01-19. Review status: criteria provided, single submitter. Criteria: Invitae Variant Classification Sherloc (09022015). Collection method: clinical testing. Allele origin: germline.
Comment: This sequence change creates a premature translational stop signal (p.Leu236*) in the KCNQ1 gene. It is expected to result in an absent or disrupted protein product. Loss-of-function variants in KCNQ1 are known to be pathogenic (PMID: 9323054, 19862833). This variant is not present in population databases (gnomAD no frequency). This variant has not been reported in the literature in individuals affected with KCNQ1-related conditions. ClinVar contains an entry for this variant (Variation ID: 656121). For these reasons, this variant has been classified as Pathogenic.

Literature cited by the submitters: PubMed 9323054 (cited by Labcorp Genetics (formerly Invitae), Labcorp); PubMed 19862833 (cited by Labcorp Genetics (formerly Invitae), Labcorp).